The following is an entry in ClinVar:

NM_001999.4(FBN2):c.3066G>A (p.Met1022Ile)

Genes: FBN2 (fibrillin 2; minus strand), LOC126807501 (BRD4-independent group 4 enhancer GRCh37_chr5:127680731-127681930; plus strand). Cytogenetic location: 5q23.3.
Variant type: single nucleotide variant.
Coding change: c.3066G>A on transcript NM_001999.4 (MANE Select); coding-DNA position 3066, G replaced by A.
Protein change: p.Met1022Ile; replaces methionine 1022 with isoleucine.
Molecular consequence: missense variant.
Genome position (GRCh38, 1-based): chr5:128,345,508, C>T on the plus strand (G>A on the coding strand, the complement: FBN2 is on the minus strand). VCF-style: chr5-128345508-C-T. GRCh37 (hg19) VCF-style: chr5-127681200-C-T.
Other names: c.3066G>A (NM_001999.3); short protein forms M1022I.
Identifiers: ClinVar variation 1417761 (VCV001417761.12), dbSNP rs952236163, ClinGen allele CA127018987.

ClinVar aggregate classification (germline): Uncertain significance. Review status: criteria provided, multiple submitters, no conflicts (2 of 4 stars). 2 submissions from 2 submitters: Uncertain significance (2). Last evaluated 2025-12-03.

Conditions:
Familial thoracic aortic aneurysm and aortic dissection (TAAD). Also called: Thoracic aortic aneurysms and dissections. Identifiers: Orphanet 91387, MedGen C4707243, MONDO:0019625.
Congenital contractural arachnodactyly (CCA). Also called: Arthrogryposis, distal, type 9; BEALS SYNDROME; Beals-Hecht syndrome. Identifiers: Orphanet 115, MedGen C0220668, MONDO:0007363, OMIM 121050.

Allele frequency attached by ClinVar (database versions not stated): gnomAD exomes below 0.00001.

Submissions (2):

Ambry Genetics
Classification: Uncertain significance for Familial thoracic aortic aneurysm and aortic dissection. Last evaluated: 2025-12-03. Review status: criteria provided, single submitter. Criteria: Ambry Variant Classification Scheme 2023. Collection method: clinical testing. Allele origin: germline.
Comment: The p.M1022I variant (also known as c.3066G>A), located in coding exon 24 of the FBN2 gene, results from a G to A substitution at nucleotide position 3066. The methionine at codon 1022 is replaced by isoleucine, an amino acid with highly similar properties. This amino acid position is not well conserved in available vertebrate species. In addition, the in silico prediction for this alteration is inconclusive. Based on the available evidence, the clinical significance of this variant remains unclear.

Labcorp Genetics (formerly Invitae), Labcorp
Classification: Uncertain significance for Congenital contractural arachnodactyly. Last evaluated: 2021-04-03. Review status: criteria provided, single submitter. Criteria: Invitae Variant Classification Sherloc (09022015). Collection method: clinical testing. Allele origin: germline.
Comment: In summary, the available evidence is currently insufficient to determine the role of this variant in disease. Therefore, it has been classified as a Variant of Uncertain Significance. Advanced modeling of protein sequence and biophysical properties (such as structural, functional, and spatial information, amino acid conservation, physicochemical variation, residue mobility, and thermodynamic stability) performed at Invitae indicates that this missense variant is not expected to disrupt FBN2 protein function. This variant has not been reported in the literature in individuals with FBN2-related conditions. This variant is not present in population databases (ExAC no frequency). This sequence change replaces methionine with isoleucine at codon 1022 of the FBN2 protein (p.Met1022Ile). The methionine residue is moderately conserved and there is a small physicochemical difference between methionine and isoleucine.